The following is an entry in ClinVar:

ClinVar aggregate classification (germline): Conflicting classifications of pathogenicity. Review status: criteria provided, conflicting classifications (1 of 4 stars). 9 submissions from 9 submitters: Uncertain significance (1); Benign (1); Likely benign (7). Last evaluated 2026-03-01.

Conditions:
Primary ciliary dyskinesia. Also called: Ciliary dyskinesia. Identifiers: Orphanet 244, MedGen C0008780, MONDO:0016575, HP:0012265.
Primary ciliary dyskinesia 3. Identifiers: Orphanet 244, MedGen C1837618, MONDO:0012085, OMIM 608644.

Allele frequency attached by ClinVar (database versions not stated): 1000 Genomes Project 30x 0.00078; 1000 Genomes Project 0.00080; TOPMed 0.00232; gnomAD exomes 0.00254; ExAC 0.00261; gnomAD 0.00275 and 0.00282; ESP Exome Variant Server 0.00400.
gnomAD v4.1: 6,345 of 1,614,158 alleles (0.39%); highest among the groups gnomAD compares: Non-Finnish European, 0.49%; 23 homozygotes.

Submissions (9):

CeGaT Center for Human Genetics Tuebingen
Classification: Likely benign. Last evaluated: 2026-03-01. Review status: criteria provided, single submitter. Criteria: CeGaT Center For Human Genetics Tuebingen Variant Classification Criteria Version 2. Collection method: clinical testing. Allele origin: germline. Affected: yes. Observed: 5 variant alleles.
Comment: DNAH5: BP4, BS2

Labcorp Genetics (formerly Invitae), Labcorp
Classification: Likely benign for Primary ciliary dyskinesia. Last evaluated: 2026-01-29. Review status: criteria provided, single submitter. Criteria: Invitae Variant Classification Sherloc (09022015). Collection method: clinical testing. Allele origin: germline.

Blueprint Genetics
Classification: Likely benign. Last evaluated: 2024-11-23. Review status: criteria provided, single submitter. Criteria: ACMG Guidelines, 2015. Collection method: clinical testing. Allele origin: germline.

GeneDx
Classification: Uncertain significance. Last evaluated: 2019-06-17. Review status: criteria provided, single submitter. Criteria: GeneDx Variant Classification Process June 2021. Collection method: clinical testing. Allele origin: germline. Affected: yes.
Comment: Observed without a second DNAH5 variant in a patient with asthenozoospermia in published literature (Zuccarello et al., 2008); In silico analysis, which includes protein predictors and evolutionary conservation, supports a deleterious effect; This variant is associated with the following publications: (PMID: 18492703)

Illumina Laboratory Services, Illumina
Classification: Likely benign for Primary ciliary dyskinesia 3. Last evaluated: 2017-04-27. Review status: criteria provided, single submitter. Criteria: ICSL Variant Classification Criteria 13 December 2019. Collection method: clinical testing. Allele origin: germline.
Comment: This variant was observed as part of a predisposition screen in an ostensibly healthy population. A literature search was performed for the gene, cDNA change, and amino acid change (where applicable). Publications were found based on this search. The evidence from the literature, in combination with allele frequency data from public databases where available, was sufficient to determine this variant is unlikely to cause disease. Therefore, this variant is classified as likely benign.

Eurofins Ntd Llc (ga)
Classification: Likely benign. Last evaluated: 2016-11-09. Review status: criteria provided, single submitter. Criteria: EGL Classification Definitions 2015. Collection method: clinical testing. Allele origin: germline. Observed: 1 variant allele, 1 heterozygote.

Laboratory for Molecular Medicine, Mass General Brigham Personalized Medicine
Classification: Likely benign. Last evaluated: 2015-09-03. Review status: criteria provided, single submitter. Criteria: LMM Criteria. Collection method: clinical testing. Allele origin: germline. Observed: 1 variant allele.
Comment: p.Glu1756Lys in exon 32 of DNAH5: This variant is not expected to have clinical significance because it has been identified in 0.4% (285/66740) of European chro mosomes by the Exome Aggregation Consortium (ExAC, g; dbSNP rs116524991).

Ambry Genetics
Classification: Benign for Primary ciliary dyskinesia. Last evaluated: 2014-12-24. Review status: criteria provided, single submitter. Criteria: Ambry Variant Classification Scheme 2023. Collection method: clinical testing. Allele origin: germline.

PreventionGenetics, part of Exact Sciences
Classification: Likely benign. Review status: criteria provided, single submitter. Criteria: ACMG Guidelines, 2015. Collection method: clinical testing. Allele origin: germline.

Literature cited by the submitters: PubMed 18492703 (cited by Illumina Laboratory Services, Illumina).

NM_001369.3(DNAH5):c.5266G>A (p.Glu1756Lys)

Gene: DNAH5 (dynein axonemal heavy chain 5; minus strand). Cytogenetic location: 5p15.2.
Variant type: single nucleotide variant.
Coding change: c.5266G>A on transcript NM_001369.3 (MANE Select); coding-DNA position 5266, G replaced by A.
Protein change: p.Glu1756Lys; replaces glutamic acid 1756 with lysine.
Molecular consequence: missense variant.
Genome position (GRCh38, 1-based): chr5:13,844,842, C>T on the plus strand (G>A on the coding strand, the complement: DNAH5 is on the minus strand). VCF-style: chr5-13844842-C-T. GRCh37 (hg19) VCF-style: chr5-13844951-C-T.
Other names: short protein forms E1756K.
Identifiers: ClinVar variation 227327 (VCV000227327.54), dbSNP rs116524991, ClinGen allele CA3203750.